The following is an entry in ClinVar:

ClinVar aggregate classification (germline): Uncertain significance (1 of 4 stars; one submission).

Conditions:
Bethlem myopathy 1A. Also called: MYOPATHY, BENIGN CONGENITAL, WITH CONTRACTURES; Bethlem Muscular Dystrophy; Bethlem myopathy 1. Identifiers: Orphanet 610, MedGen CN029274, MONDO:0024530, OMIM 158810.

Allele frequency attached by ClinVar (database versions not stated): gnomAD exomes below 0.00001; ExAC 0.00001.
gnomAD v4.1: 1 of 1,614,218 alleles (0.000062%); highest among the groups gnomAD compares: Non-Finnish European, 0.000085%; no homozygotes.

Submission:

Labcorp Genetics (formerly Invitae), Labcorp
Classification: Uncertain significance for Bethlem myopathy 1A. Last evaluated: 2021-12-25. Review status: criteria provided, single submitter. Criteria: Invitae Variant Classification Sherloc (09022015). Collection method: clinical testing. Allele origin: germline.
Comment: This variant is present in population databases (rs774887457, gnomAD 0.0009%). In summary, the available evidence is currently insufficient to determine the role of this variant in disease. Therefore, it has been classified as a Variant of Uncertain Significance. Advanced modeling of protein sequence and biophysical properties (such as structural, functional, and spatial information, amino acid conservation, physicochemical variation, residue mobility, and thermodynamic stability) performed at Invitae indicates that this missense variant is not expected to disrupt COL6A3 protein function. This variant has not been reported in the literature in individuals affected with COL6A3-related conditions. This sequence change replaces leucine, which is neutral and non-polar, with proline, which is neutral and non-polar, at codon 92 of the COL6A3 protein (p.Leu92Pro).

NM_004369.4(COL6A3):c.275T>C (p.Leu92Pro)

Gene: COL6A3 (collagen type VI alpha 3 chain; minus strand). Cytogenetic location: 2q37.3.
Variant type: single nucleotide variant.
Coding change: c.275T>C on transcript NM_004369.4 (MANE Select); coding-DNA position 275, T replaced by C.
Protein change: p.Leu92Pro; replaces leucine 92 with proline.
Molecular consequence: missense variant. On other transcripts: intron variant (4).
Genome position (GRCh38, 1-based): chr2:237,395,021, A>G on the plus strand (T>C on the coding strand, the complement: COL6A3 is on the minus strand). VCF-style: chr2-237395021-A-G. GRCh37 (hg19) VCF-style: chr2-238303664-A-G.
Other names: c.91+1706T>C (NM_057166.5, NM_057167.4, NM_057164.5 and 1 more transcripts); short protein forms L92P.
Identifiers: ClinVar variation 2060513 (VCV002060513.4), dbSNP rs774887457, ClinGen allele CA2189900.